The following is an entry in ClinVar:

ClinVar aggregate classification (germline): Uncertain significance (1 of 4 stars; one submission).

Conditions:
Developmental and epileptic encephalopathy, 34 (DEE34). Also called: Early infantile epileptic encephalopathy 34; SLC12A5-Related Epilepsy of Infancy with Migrating Focal Seizures. Identifiers: Orphanet 293181, MedGen C4225257, MONDO:0014718, OMIM 616645.

Allele frequency attached by ClinVar (database versions not stated): 1000 Genomes Project 0.00020; TOPMed below 0.00001; gnomAD 0.00001 and 0.00002; gnomAD exomes 0.00002 and 0.00003; 1000 Genomes Project 30x 0.00016.
gnomAD v4.1: 46 of 1,613,978 alleles (0.0029%); highest among the groups gnomAD compares: African/African-American, 0.0027%; no homozygotes.

Submission:

Labcorp Genetics (formerly Invitae), Labcorp
Classification: Uncertain significance for Developmental and epileptic encephalopathy, 34. Last evaluated: 2024-01-08. Review status: criteria provided, single submitter. Criteria: Invitae Variant Classification Sherloc (09022015). Collection method: clinical testing. Allele origin: germline.
Comment: This sequence change replaces aspartic acid, which is acidic and polar, with asparagine, which is neutral and polar, at codon 386 of the SLC12A5 protein (p.Asp386Asn). This variant is present in population databases (rs200798560, gnomAD 0.007%). This variant has not been reported in the literature in individuals affected with SLC12A5-related conditions. ClinVar contains an entry for this variant (Variation ID: 570583). Advanced modeling of protein sequence and biophysical properties (such as structural, functional, and spatial information, amino acid conservation, physicochemical variation, residue mobility, and thermodynamic stability) performed at Invitae indicates that this missense variant is not expected to disrupt SLC12A5 protein function with a negative predictive value of 80%. In summary, the available evidence is currently insufficient to determine the role of this variant in disease. Therefore, it has been classified as a Variant of Uncertain Significance.

NM_020708.5(SLC12A5):c.1156G>A (p.Asp386Asn)

Gene: SLC12A5 (solute carrier family 12 member 5; plus strand). Cytogenetic location: 20q13.12.
Variant type: single nucleotide variant.
Coding change: c.1156G>A on transcript NM_020708.5 (MANE Select); coding-DNA position 1156, G replaced by A.
Protein change: p.Asp386Asn; replaces aspartic acid 386 with asparagine.
Molecular consequence: missense variant.
Genome position (GRCh38, 1-based): chr20:46,043,242, G>A. VCF-style: chr20-46043242-G-A. GRCh37 (hg19) VCF-style: chr20-44671881-G-A.
Other names: c.1225G>A, p.Asp409Asn (NM_001134771.2); short protein forms D386N, D409N.
Identifiers: ClinVar variation 570583 (VCV000570583.7), dbSNP rs200798560, ClinGen allele CA315635869.